The following is an entry in ClinVar:

ClinVar aggregate classification (germline): Uncertain significance. Review status: criteria provided, multiple submitters, no conflicts (2 of 4 stars). 3 submissions from 3 submitters: Uncertain significance (3). Last evaluated 2026-03-09.

Conditions:
Cardiovascular phenotype. Identifiers: MedGen CN230736.
Catecholaminergic polymorphic ventricular tachycardia 1. Also called: VENTRICULAR TACHYCARDIA, CATECHOLAMINERGIC POLYMORPHIC, 1, WITH OR WITHOUT ATRIAL DYSFUNCTION AND/OR DILATED CARDIOMYOPATHY; VENTRICULAR TACHYCARDIA, STRESS-INDUCED POLYMORPHIC 1; RYR2-Related Catecholaminergic Polymorphic Ventricular Tachycardia. Identifiers: Orphanet 3286, MedGen C1631597, MONDO:0011484, OMIM 604772.

Allele frequency attached by ClinVar (database versions not stated): gnomAD exomes below 0.00001; gnomAD 0.00001.
gnomAD v4.1: 3 of 1,610,452 alleles (0.00019%); highest among the groups gnomAD compares: Admixed American, 0.0017%; no homozygotes.

Submissions (3):

Ambry Genetics
Classification: Uncertain significance for Cardiovascular phenotype. Last evaluated: 2026-03-09. Review status: criteria provided, single submitter. Criteria: Ambry Variant Classification Scheme 2023. Collection method: clinical testing. Allele origin: germline.
Comment: The p.K496I variant (also known as c.1487A>T), located in coding exon 24 of the TRDN gene, results from an A to T substitution at nucleotide position 1487. The lysine at codon 496 is replaced by isoleucine, an amino acid with dissimilar properties. This amino acid position is conserved. In addition, this alteration is predicted to be tolerated by in silico analysis. Based on the available evidence, the clinical significance of this variant remains unclear.

Labcorp Genetics (formerly Invitae), Labcorp
Classification: Uncertain significance for Catecholaminergic polymorphic ventricular tachycardia 1. Last evaluated: 2021-11-02. Review status: criteria provided, single submitter. Criteria: Invitae Variant Classification Sherloc (09022015). Collection method: clinical testing. Allele origin: germline.
Comment: This sequence change replaces lysine, which is basic and polar, with isoleucine, which is neutral and non-polar, at codon 496 of the TRDN protein (p.Lys496Ile). This variant is present in population databases (no rsID available, gnomAD 0.0009%). This variant has not been reported in the literature in individuals affected with TRDN-related conditions. Algorithms developed to predict the effect of missense changes on protein structure and function are either unavailable or do not agree on the potential impact of this missense change (SIFT: "Deleterious"; PolyPhen-2: "Probably Damaging"; Align-GVGD: "Class C0"). In summary, the available evidence is currently insufficient to determine the role of this variant in disease. Therefore, it has been classified as a Variant of Uncertain Significance.

Blueprint Genetics
Classification: Uncertain significance. Last evaluated: 2021-09-10. Review status: criteria provided, single submitter. Criteria: ACMG Guidelines, 2015. Collection method: clinical testing. Allele origin: germline.

NM_006073.4(TRDN):c.1487A>T (p.Lys496Ile)

Gene: TRDN (triadin; minus strand). Cytogenetic location: 6q22.31.
Variant type: single nucleotide variant.
Coding change: c.1487A>T on transcript NM_006073.4 (MANE Select); coding-DNA position 1487, A replaced by T.
Protein change: p.Lys496Ile; replaces lysine 496 with isoleucine.
Molecular consequence: missense variant.
Genome position (GRCh38, 1-based): chr6:123,316,480, T>A on the plus strand (A>T on the coding strand, the complement: TRDN is on the minus strand). VCF-style: chr6-123316480-T-A. GRCh37 (hg19) VCF-style: chr6-123637625-T-A.
Other names: c.1487A>T (NM_006073.2); short protein forms K496I.
Identifiers: ClinVar variation 1486310 (VCV001486310.6), dbSNP rs1219920478, ClinGen allele CA365562567.